The following is an entry in ClinVar:

NM_000540.3(RYR1):c.3052C>G (p.Pro1018Ala)

Gene: RYR1 (ryanodine receptor 1; plus strand). Cytogenetic location: 19q13.2.
Variant type: single nucleotide variant.
Coding change: c.3052C>G on transcript NM_000540.3 (MANE Select); coding-DNA position 3052, C replaced by G.
Protein change: p.Pro1018Ala; replaces proline 1018 with alanine.
Molecular consequence: missense variant.
Genome position (GRCh38, 1-based): chr19:38,466,272, C>G. VCF-style: chr19-38466272-C-G. GRCh37 (hg19) VCF-style: chr19-38956912-C-G.
Other names: c.3052C>G (NM_000540.2); c.3052C>G, p.Pro1018Ala (NM_001042723.2); short protein forms P1018A.
Identifiers: ClinVar variation 1054955 (VCV001054955.11), dbSNP rs143331857, ClinGen allele CA064347.

ClinVar aggregate classification (germline): Uncertain significance. Review status: criteria provided, multiple submitters, no conflicts (2 of 4 stars). 6 submissions from 6 submitters: Uncertain significance (6). Last evaluated 2025-08-06.

Conditions:
RYR1-related disorder. Also called: RYR1-related disorders; RYR1-related condition. Identifiers: MedGen CN239331.
Malignant hyperthermia, susceptibility to, 1 (MHS1). Also called: Anesthesia related hyperthermia; Malignant hyperpyrexia; Fulminating hyperpyrexia; Pharmacogenic myopathy; RYR1-Related Malignant Hyperthermia Susceptibility; Malignant hyperthermia suceptibility 1. Identifiers: Orphanet 423, MedGen C2930980, MONDO:0007783, OMIM 145600.
Central core myopathy (CMYO1A). Also called: CONGENITAL MYOPATHY 1A, AUTOSOMAL DOMINANT, WITH SUSCEPTIBILITY TO MALIGNANT HYPERTHERMIA; Central core disease; Myopathy, central fibrillar. Identifiers: Orphanet 597, MedGen C5830701, MONDO:0007294, OMIM 117000.
Congenital myopathy with fiber type disproportion. Also called: Congenital fiber-type disproportion; Congenital fiber-type disproportion myopathy. Identifiers: Orphanet 2020, MedGen C0546264, MONDO:0009711. Inheritance: all.
Congenital multicore myopathy with external ophthalmoplegia (CMYO1B). Also called: MULTICORE MYOPATHY; Congenital myopathy 1B, autosomal recessive; Minicore myopathy; MULTIMINICORE DISEASE WITH EXTERNAL OPHTHALMOPLEGIA; Minicore myopathy with external ophthalmoplegia. Identifiers: Orphanet 598, Orphanet 98905, MedGen C1850674, MONDO:0009712, OMIM 255320, HP:0003789.
King Denborough syndrome (KDS). Identifiers: MedGen C1840365, MONDO:0020485, OMIM 619542.
Inborn genetic diseases. Identifiers: MedGen C0950123, MeSH D030342.

Allele frequency attached by ClinVar (database versions not stated): gnomAD exomes below 0.00001; ExAC 0.00001; gnomAD 0.00001; TOPMed 0.00001; ESP Exome Variant Server 0.00008.
gnomAD v4.1: 30 of 1,612,936 alleles (0.0019%); highest among the groups gnomAD compares: Non-Finnish European, 0.0025%; no homozygotes.

Submissions (6):

Ambry Genetics
Classification: Uncertain significance for Inborn genetic diseases. Last evaluated: 2025-08-06. Review status: criteria provided, single submitter. Criteria: Ambry Variant Classification Scheme 2023. Collection method: clinical testing. Allele origin: germline.

Color Diagnostics, LLC DBA Color Health
Classification: Uncertain significance for Malignant hyperthermia, susceptibility to, 1. Last evaluated: 2025-06-10. Review status: criteria provided, single submitter. Criteria: ACMG Guidelines, 2015. Collection method: clinical testing. Allele origin: germline.
Comment: This missense variant replaces proline with alanine at codon 1018 of the RYR1 protein. Computational prediction suggests that this variant may have deleterious impact on protein structure and function. To our knowledge, functional studies have not been reported for this variant. This variant has not been reported in individuals affected with RYR1-related disorders in the literature. This variant has been identified in 1/246976 chromosomes in the general population by the Genome Aggregation Database (gnomAD). The available evidence is insufficient to determine the role of this variant in disease conclusively. Therefore, this variant is classified as a Variant of Uncertain Significance.

GeneDx
Classification: Uncertain significance. Last evaluated: 2024-10-09. Review status: criteria provided, single submitter. Criteria: GeneDx Variant Classification Process June 2021. Collection method: clinical testing. Allele origin: germline. Affected: yes.
Comment: Not observed at significant frequency in large population cohorts (gnomAD); In silico analysis supports that this missense variant has a deleterious effect on protein structure/function; Has not been previously published as pathogenic or benign to our knowledge

Labcorp Genetics (formerly Invitae), Labcorp
Classification: Uncertain significance for RYR1-related disorder. Last evaluated: 2024-04-14. Review status: criteria provided, single submitter. Criteria: Invitae Variant Classification Sherloc (09022015). Collection method: clinical testing. Allele origin: germline.
Comment: This sequence change replaces proline, which is neutral and non-polar, with alanine, which is neutral and non-polar, at codon 1018 of the RYR1 protein (p.Pro1018Ala). This variant is present in population databases (rs143331857, gnomAD 0.0009%). This variant has not been reported in the literature in individuals affected with RYR1-related conditions. ClinVar contains an entry for this variant (Variation ID: 1054955). Advanced modeling of protein sequence and biophysical properties (such as structural, functional, and spatial information, amino acid conservation, physicochemical variation, residue mobility, and thermodynamic stability) performed at Invitae indicates that this missense variant is expected to disrupt RYR1 protein function with a positive predictive value of 95%. In summary, the available evidence is currently insufficient to determine the role of this variant in disease. Therefore, it has been classified as a Variant of Uncertain Significance.

Revvity Omics, Revvity
Classification: Uncertain significance. Last evaluated: 2022-05-23. Review status: criteria provided, single submitter. Criteria: ACMG Guidelines, 2015. Collection method: clinical testing. Allele origin: germline.

Fulgent Genetics
Classification: Uncertain significance for Central core myopathy; Malignant hyperthermia, susceptibility to, 1; Congenital myopathy 4A, autosomal dominant; Congenital multicore myopathy with external ophthalmoplegia; King Denborough syndrome. Last evaluated: 2021-09-13. Review status: criteria provided, single submitter. Criteria: ACMG Guidelines, 2015. Collection method: clinical testing. Allele origin: unknown.